The following is an entry in ClinVar:

ClinVar aggregate classification (germline): Likely pathogenic (1 of 4 stars; one submission).

Conditions:
Junctional epidermolysis bullosa gravis of Herlitz. Also called: Herlitz-type junctional epidermolysis bullosa; Epidermolysis Bullosa Letalis; EPIDERMOLYSIS BULLOSA, JUNCTIONAL 1B, SEVERE; EPIDERMOLYSIS BULLOSA JUNCTIONALIS, HERLITZ TYPE; EPIDERMOLYSIS BULLOSA, JUNCTIONAL, HERLITZ-PEARSON TYPE; JEB-HERLITZ TYPE. Identifiers: Orphanet 79404, MedGen C0079683, MONDO:0009182, OMIM 226700.

Allele frequency attached by ClinVar (database versions not stated): gnomAD exomes below 0.00001.

Submission:

Myriad Genetics, Inc.
Classification: Likely pathogenic for Junctional epidermolysis bullosa gravis of Herlitz. Last evaluated: 2019-07-07. Review status: criteria provided, single submitter. Criteria: Myriad Women's Health Autosomal Recessive and X-Linked Classification Criteria (2019). Collection method: clinical testing. Allele origin: unknown.
Comment: NM_000228.2(LAMB3):c.940C>T(Q314*) is expected to be pathogenic in the context of Herlitz junctional epidermolysis bullosa, LAMB3-related. This variant is predicted to lead to an abnormal or absent protein product due to the creation of a premature termination codon in LAMB3, a gene where loss-of-function variants are known to be pathogenic. Please note: this variant was assessed in the context of healthy population screening.

NM_000228.3(LAMB3):c.940C>T (p.Gln314Ter)

Gene: LAMB3 (laminin subunit beta 3; minus strand). Cytogenetic location: 1q32.2.
Variant type: single nucleotide variant.
Coding change: c.940C>T on transcript NM_000228.3 (MANE Select); coding-DNA position 940, C replaced by T.
Protein change: p.Gln314Ter; replaces glutamine 314 with a stop codon.
Molecular consequence: nonsense.
Genome position (GRCh38, 1-based): chr1:209,630,618, G>A on the plus strand (C>T on the coding strand, the complement: LAMB3 is on the minus strand). VCF-style: chr1-209630618-G-A. GRCh37 (hg19) VCF-style: chr1-209803963-G-A.
Other names: c.940C>T, p.Gln314Ter (NM_001017402.2, NM_001127641.1); short protein forms Q314*.
Identifiers: ClinVar variation 984104 (VCV000984104.3), dbSNP rs1666646272, ClinGen allele CA344593230.